The following is an entry in ClinVar:

ClinVar aggregate classification (germline): Pathogenic. Review status: criteria provided, multiple submitters, no conflicts (2 of 4 stars). 4 submissions from 4 submitters: Pathogenic (4). Last evaluated 2025-07-15.

Conditions:
Diamond-Blackfan anemia 1 (DBA1). Also called: RPS19-Related Diamond-Blackfan Anemia; BLACKFAN-DIAMOND SYNDROME; ANEMIA, CONGENITAL HYPOPLASTIC, OF BLACKFAN AND DIAMOND; ANEMIA, CONGENITAL ERYTHROID HYPOPLASTIC; RED CELL APLASIA, PURE, HEREDITARY; AREGENERATIVE ANEMIA, CHRONIC CONGENITAL. Identifiers: Orphanet 124, MedGen C2676137, MONDO:0007110, OMIM 105650.
RPS19-related disorder. Also called: RPS19-related condition.
Diamond-Blackfan anemia. Also called: Blackfan Diamond syndrome; Aregenerative anemia chronic congenital; Red cell aplasia, pure hereditary; Congenital hypoplastic anemia; Aase syndrome. Identifiers: Orphanet 124, MedGen C1260899, MeSH D029503, MONDO:0015253, HP:0004810.

Submissions (4):

3billion
Classification: Pathogenic for Diamond-Blackfan anemia 1. Last evaluated: 2025-07-15. Review status: criteria provided, single submitter. Criteria: ACMG Guidelines, 2015. Collection method: clinical testing. Allele origin: germline. Affected: yes.
Comment: The variant is not observed in the gnomAD v4.1.0 dataset. Predicted Consequence/Location: Start-lost: reinitiation of translation may occur at a downstream alternate start codon but still result in a loss or disruption of normal protein function as there have been pathogenic variants reported upstream of the alternate start codon and a dominant negative effect has been reported near truncated region. The variant has been observed in multiple (>3) similarly affected unrelated individuals (PMID: 12750732, 20603584, 25132370). The variant has been reported at least twice as pathogenic with clinical assertions and evidence for the classification (ClinVar ID: VCV000860401 /PMID: 12750732). Therefore, this variant is classified as Pathogenic according to the recommendation of ACMG/AMP guideline.

Labcorp Genetics (formerly Invitae), Labcorp
Classification: Pathogenic for Diamond-Blackfan anemia. Last evaluated: 2024-04-01. Review status: criteria provided, single submitter. Criteria: Invitae Variant Classification Sherloc (09022015). Collection method: clinical testing. Allele origin: germline.
Comment: This sequence change affects the initiator methionine of the RPS19 mRNA. The next in-frame methionine is located at codon 75. This variant is not present in population databases (gnomAD no frequency). Disruption of the initiator codon has been observed in individuals with Diamond-Blackfan anemia (PMID: 12750732, 20378560, 20603584, 27329125, 28102861, 28376382). This variant is also known as ATG3ATA, g.3G>A. ClinVar contains an entry for this variant (Variation ID: 860401). For these reasons, this variant has been classified as Pathogenic.

Blueprint Genetics
Classification: Pathogenic for RPS19-related disorders. Last evaluated: 2021-12-22. Review status: criteria provided, single submitter. Criteria: ACMG Guidelines, 2015. Collection method: clinical testing. Allele origin: germline. Affected: yes. Observed: 3 variant alleles.

Ambry Genetics
Classification: Pathogenic for Diamond-Blackfan anemia. Last evaluated: 2017-04-20. Review status: criteria provided, single submitter. Criteria: Ambry Variant Classification Scheme 2023. Collection method: clinical testing. Allele origin: germline.
Comment: The p.M1? pathogenic mutation (also known as c.3G>A) is located in coding exon 1 of the RPS19 gene and results from a G to A substitution at nucleotide position 3. This alters the methionine residue at the initiation codon. This mutation was detected in multiple individuals with Diamond-Blackfan anemia (Proust A et al. Hematol. J., 2003;4:132-6; Chae H et al. Exp. Mol. Med., 2014 Mar;46:e88; Delaporta P et al. Pediatr Blood Cancer, 2014 Dec;61:2249-55). In addition, two mutations at the same codon, c.3G>C and c.3G>T, were reported in affected individuals (Ramenghi U et al. Blood Cells Mol. Dis., 2000 Oct;26:417-22; Orfali KA et al. Br. J. Haematol., 2004 Apr;125:243-52). In addition to the clinical data presented in the literature, since sequence variations that modify the initiation codon (ATG) are expected to result in either loss of translation initiation, N-terminal truncation, or cause a shift in the mRNA reading frame, this alteration is interpreted as a disease-causing mutation.

Literature cited by the submitters: PubMed 25132370 (cited by 3billion and Ambry Genetics); PubMed 12750732 (cited by 3 submitters); PubMed 20603584 (cited by 3 submitters); PubMed 20378560 (cited by Labcorp Genetics (formerly Invitae), Labcorp); PubMed 27329125 (cited by Labcorp Genetics (formerly Invitae), Labcorp); PubMed 28102861 (cited by Labcorp Genetics (formerly Invitae), Labcorp); PubMed 28376382 (cited by Labcorp Genetics (formerly Invitae), Labcorp); PubMed 11112378 (cited by Ambry Genetics); PubMed 15059149 (cited by Ambry Genetics); PubMed 22783360 (cited by Ambry Genetics); PubMed 24675553 (cited by Ambry Genetics).

NM_001022.4(RPS19):c.3G>A (p.Met1Ile)

Genes: RPS19 (ribosomal protein S19; plus strand), RPS19-CD79A (RPS19-CD79A readthrough; plus strand). Cytogenetic location: 19q13.2.
Variant type: single nucleotide variant.
Coding change: c.3G>A on transcript NM_001022.4 (MANE Select); coding-DNA position 3, G replaced by A.
Protein change: p.Met1Ile; changes the start codon (methionine 1).
Molecular consequence: missense variant, initiator codon variant.
Genome position (GRCh38, 1-based): chr19:41,860,777, G>A. VCF-style: chr19-41860777-G-A. GRCh37 (hg19) VCF-style: chr19-42364847-G-A.
Other names: c.3G>A, p.Met1Ile (NM_001321483.2, NM_001321484.2, NM_001321485.2); short protein forms M1I.
Identifiers: ClinVar variation 860401 (VCV000860401.15), dbSNP rs138938035, ClinGen allele CA308588696.
Genomic context (GRCh38, chr19:41,860,777, plus strand): 5'-TGCTCTTGGCAGTCGTCTCTGCCAGGCCTGTGTTCACATGCTTGACTTTCTCCCTCAGAT[G>A]CCTGGAGTTACTGTAAAAGACGTGAACCAGCAGGAGTTCGTCAGAGCTCTGGCAGCCTTC-3'
Protein context (NP_001013.1, residues 1-11): [Met1Ile]PGVTVKDVNQ